The following is an entry in ClinVar:

ClinVar aggregate classification (germline): Uncertain significance (1 of 4 stars; one submission).

Conditions:
Inborn genetic diseases. Identifiers: MedGen C0950123, MeSH D030342.

Submission:

Ambry Genetics
Classification: Uncertain significance for Inborn genetic diseases. Last evaluated: 2026-09-13. Review status: criteria provided, single submitter. Criteria: Ambry Variant Classification Scheme 2023. Collection method: clinical testing. Allele origin: germline.
Comment: The p.D747E variant (also known as c.2241T>A), located in coding exon 18 of the DNMT3A gene, results from a T to A substitution at nucleotide position 2241. The aspartic acid at codon 747 is replaced by glutamic acid, an amino acid with highly similar properties. This amino acid position is conserved. In addition, this alteration is predicted to be tolerated by in silico analysis. Based on the available evidence, the clinical significance of this variant remains unclear.

NM_022552.5(DNMT3A):c.2241T>A (p.Asp747Glu)

Gene: DNMT3A (DNA methyltransferase 3 alpha; minus strand). Cytogenetic location: 2p23.3.
Variant type: single nucleotide variant.
Coding change: c.2241T>A on transcript NM_022552.5 (MANE Select); coding-DNA position 2241, T replaced by A.
Protein change: p.Asp747Glu; replaces aspartic acid 747 with glutamic acid.
Molecular consequence: missense variant. On other transcripts: non-coding transcript variant (1).
Genome position (GRCh38, 1-based): chr2:25,240,383, A>T on the plus strand (T>A on the coding strand, the complement: DNMT3A is on the minus strand). VCF-style: chr2-25240383-A-T. GRCh37 (hg19) VCF-style: chr2-25463252-A-T.
Other names: c.1785T>A, p.Asp595Glu (NM_001320893.1); c.1572T>A, p.Asp524Glu (NM_001375819.1); c.1674T>A, p.Asp558Glu (NM_153759.3); c.2241T>A, p.Asp747Glu (NM_175629.2); short protein forms D524E, D558E, D595E, D747E.
Identifiers: ClinVar variation 5035536 (VCV005035536.1).